The following is an entry in ClinVar:

ClinVar aggregate classification (germline): Uncertain significance (1 of 4 stars; one submission).

Submission:

CeGaT Center for Human Genetics Tuebingen
Classification: Uncertain significance. Last evaluated: 2026-09-01. Review status: criteria provided, single submitter. Criteria: CeGaT Center For Human Genetics Tuebingen Variant Classification Criteria Version 2. Collection method: clinical testing. Allele origin: germline. Affected: yes. Observed: 1 variant allele.
Comment: DES: PM2, BP4

NM_001927.4(DES):c.1023+6T>A

Gene: DES (desmin; plus strand). Cytogenetic location: 2q35.
Variant type: single nucleotide variant.
Coding change: c.1023+6T>A on transcript NM_001927.4 (MANE Select); 6 bases into the intron after coding-DNA position 1023, T replaced by A.
Molecular consequence: intron variant.
Genome position (GRCh38, 1-based): chr2:219,420,959, T>A. VCF-style: chr2-219420959-T-A. GRCh37 (hg19) VCF-style: chr2-220285681-T-A.
Other names: c.1023+6T>A (NM_001382712.1, NM_001382711.1, NM_001382710.1); c.736-525T>A (NM_001382709.1); c.1020+6T>A (NM_001382708.1); c.753+6T>A (NM_001382713.1).
Identifiers: ClinVar variation 5041532 (VCV005041532.1).